The following is an entry in ClinVar:

ClinVar aggregate classification (germline): Uncertain significance (1 of 4 stars; one submission).

Conditions:
Peroxisome biogenesis disorder 12A (Zellweger). Also called: Peroxisome biogenesis disorder 12A. Identifiers: Orphanet 912, MedGen C3554002, MONDO:0013951, OMIM 614886.

Allele frequency attached by ClinVar (database versions not stated): TOPMed below 0.00001; gnomAD 0.00001; gnomAD exomes 0.00001.

Submission:

Labcorp Genetics (formerly Invitae), Labcorp
Classification: Uncertain significance for Peroxisome biogenesis disorder 12A (Zellweger). Last evaluated: 2022-08-18. Review status: criteria provided, single submitter. Criteria: Invitae Variant Classification Sherloc (09022015). Collection method: clinical testing. Allele origin: germline.
Comment: In summary, the available evidence is currently insufficient to determine the role of this variant in disease. Therefore, it has been classified as a Variant of Uncertain Significance. Algorithms developed to predict the effect of missense changes on protein structure and function are either unavailable or do not agree on the potential impact of this missense change (SIFT: "Tolerated"; PolyPhen-2: "Probably Damaging"; Align-GVGD: "Class C0"). This variant has not been reported in the literature in individuals affected with PEX19-related conditions. This variant is present in population databases (rs561585784, gnomAD 0.0009%). This sequence change replaces glutamine, which is neutral and polar, with arginine, which is basic and polar, at codon 231 of the PEX19 protein (p.Gln231Arg).

NM_002857.4(PEX19):c.692A>G (p.Gln231Arg)

Gene: PEX19 (peroxisomal biogenesis factor 19; minus strand). Cytogenetic location: 1q23.2.
Variant type: single nucleotide variant.
Coding change: c.692A>G on transcript NM_002857.4 (MANE Select); coding-DNA position 692, A replaced by G.
Protein change: p.Gln231Arg; replaces glutamine 231 with arginine.
Molecular consequence: missense variant. On other transcripts: non-coding transcript variant (2).
Genome position (GRCh38, 1-based): chr1:160,280,149, T>C on the plus strand (A>G on the coding strand, the complement: PEX19 is on the minus strand). VCF-style: chr1-160280149-T-C. GRCh37 (hg19) VCF-style: chr1-160249939-T-C.
Other names: c.692A>G, p.Gln231Arg (NM_001193644.1); short protein forms Q231R.
Identifiers: ClinVar variation 1929891 (VCV001929891.3), dbSNP rs561585784, ClinGen allele CA31523843.
Genomic context (GRCh38, chr1:160,280,149, plus strand): 5'-ACCATCTCAAAACGAGCCTTTTGAGTGGTTTCACTGTCTGTGGGGGTCTCTGCCTCAAAC[T>C]GCTCACATATTTTGCACATGACGCTGTGCTGCTCCTGATATTTTTCAAACTGCTCTGGAG-3'
Protein context (NP_002848.1, residues 221-241): QHSVMCKICE[Gln231Arg]FEAETPTDSE